The following is an entry in ClinVar:

ClinVar aggregate classification (germline): Uncertain significance (1 of 4 stars; one submission).

Submission:

Labcorp Genetics (formerly Invitae), Labcorp
Classification: Uncertain significance. Last evaluated: 2025-06-02. Review status: criteria provided, single submitter. Criteria: Invitae Variant Classification Sherloc (09022015). Collection method: clinical testing. Allele origin: germline.
Comment: This sequence change replaces methionine, which is neutral and non-polar, with valine, which is neutral and non-polar, at codon 188 of the PAFAH1B1 protein (p.Met188Val). This variant is not present in population databases (gnomAD no frequency). This variant has not been reported in the literature in individuals affected with PAFAH1B1-related conditions. ClinVar contains an entry for this variant (Variation ID: 2833812). An algorithm developed to predict the effect of missense changes on protein structure and function (PolyPhen-2) suggests that this variant is likely to be tolerated. In summary, the available evidence is currently insufficient to determine the role of this variant in disease. Therefore, it has been classified as a Variant of Uncertain Significance.

NM_000430.4(PAFAH1B1):c.562A>G (p.Met188Val)

Gene: PAFAH1B1 (platelet activating factor acetylhydrolase 1b regulatory subunit 1; plus strand). Cytogenetic location: 17p13.3.
Variant type: single nucleotide variant.
Coding change: c.562A>G on transcript NM_000430.4 (MANE Select); coding-DNA position 562, A replaced by G.
Protein change: p.Met188Val; replaces methionine 188 with valine.
Molecular consequence: missense variant.
Genome position (GRCh38, 1-based): chr17:2,670,325, A>G. VCF-style: chr17-2670325-A-G. GRCh37 (hg19) VCF-style: chr17-2573619-A-G.
Other names: short protein forms M188V.
Identifiers: ClinVar variation 2833812 (VCV002833812.3), dbSNP rs2544097249, ClinGen allele CA397640434.